The following is an entry in ClinVar:

ClinVar aggregate classification (germline): Uncertain significance. Review status: criteria provided, multiple submitters, no conflicts (2 of 4 stars). 4 submissions from 4 submitters: Uncertain significance (4). Last evaluated 2025-08-20.

Conditions:
GIPC3-related disorder. Also called: GIPC3-related condition.
Inborn genetic diseases. Identifiers: MedGen C0950123, MeSH D030342.

Allele frequency attached by ClinVar (database versions not stated): gnomAD 0.00005; TOPMed 0.00005.
gnomAD v4.1: 36 of 1,158,576 alleles (0.0031%); highest among the groups gnomAD compares: Non-Finnish European, 0.0037%; no homozygotes.

Submissions (4):

PreventionGenetics, part of Exact Sciences
Classification: Uncertain significance for GIPC3-related condition. Last evaluated: 2025-08-20. Review status: criteria provided, single submitter. Criteria: ACMG Guidelines, 2015. Collection method: clinical testing. Allele origin: germline.
Comment: The GIPC3 c.14C>A variant is predicted to result in the amino acid substitution p.Ala5Glu. To our knowledge, this variant has not been reported in the literature. This variant is reported in 0.0066% of alleles in individuals of European (Non-Finnish) descent in gnomAD. At this time, the clinical significance of this variant is uncertain due to the absence of conclusive functional and genetic evidence.

Labcorp Genetics (formerly Invitae), Labcorp
Classification: Uncertain significance. Last evaluated: 2024-11-11. Review status: criteria provided, single submitter. Criteria: Invitae Variant Classification Sherloc (09022015). Collection method: clinical testing. Allele origin: germline.
Comment: This sequence change replaces alanine, which is neutral and non-polar, with glutamic acid, which is acidic and polar, at codon 5 of the GIPC3 protein (p.Ala5Glu). This variant is not present in population databases (gnomAD no frequency). This variant has not been reported in the literature in individuals affected with GIPC3-related conditions. ClinVar contains an entry for this variant (Variation ID: 1906379). An algorithm developed to predict the effect of missense changes on protein structure and function outputs the following: PolyPhen-2: "Not Available". The glutamic acid amino acid residue is found in multiple mammalian species, which suggests that this missense change does not adversely affect protein function. In summary, the available evidence is currently insufficient to determine the role of this variant in disease. Therefore, it has been classified as a Variant of Uncertain Significance.

Blueprint Genetics
Classification: Uncertain significance. Last evaluated: 2024-08-09. Review status: criteria provided, single submitter. Criteria: ACMG Guidelines, 2015. Collection method: clinical testing. Allele origin: germline.

Ambry Genetics
Classification: Uncertain significance for Inborn genetic diseases. Last evaluated: 2021-10-22. Review status: criteria provided, single submitter. Criteria: Ambry Variant Classification Scheme 2023. Collection method: clinical testing. Allele origin: germline.

NM_133261.3(GIPC3):c.14C>A (p.Ala5Glu)

Gene: GIPC3 (GIPC PDZ domain containing family member 3; plus strand). Cytogenetic location: 19p13.3.
Variant type: single nucleotide variant.
Coding change: c.14C>A on transcript NM_133261.3 (MANE Select); coding-DNA position 14, C replaced by A.
Protein change: p.Ala5Glu; replaces alanine 5 with glutamic acid.
Molecular consequence: missense variant.
Genome position (GRCh38, 1-based): chr19:3,585,611, C>A. VCF-style: chr19-3585611-C-A. GRCh37 (hg19) VCF-style: chr19-3585609-C-A.
Other names: c.14C>A, p.Ala5Glu (NM_001411144.1); short protein forms A5E.
Identifiers: ClinVar variation 1906379 (VCV001906379.8), dbSNP rs1041727296, ClinGen allele CA304414306.
Genomic context (GRCh38, chr19:3,585,611, plus strand): 5'-CGGCGGCGGCGGCGAGGGCCCGGGTGGGTGGCCGAACTTCTCCCGCCATGGAGGGAGCAG[C>A]GGCCCGGGAGGCCCGGGGGACCGAGACCCCGCGCGCGTCTGCGCCCCCGCCCGCGCCCTC-3'
Protein context (NP_573568.1, residues 1-15): MEGA[Ala5Glu]AREARGTETP